The following is an entry in ClinVar:

ClinVar aggregate classification (germline): Uncertain significance (1 of 4 stars; one submission).

Submission:

Labcorp Genetics (formerly Invitae), Labcorp
Classification: Uncertain significance. Last evaluated: 2022-08-21. Review status: criteria provided, single submitter. Criteria: Invitae Variant Classification Sherloc (09022015). Collection method: clinical testing. Allele origin: germline.
Comment: This variant is not present in population databases (gnomAD no frequency). This variant has not been reported in the literature in individuals affected with NUP205-related conditions. Variants that disrupt the consensus splice site are a relatively common cause of aberrant splicing (PMID: 17576681, 9536098). Algorithms developed to predict the effect of sequence changes on RNA splicing suggest that this variant is not likely to affect RNA splicing. In summary, the available evidence is currently insufficient to determine the role of this variant in disease. Therefore, it has been classified as a Variant of Uncertain Significance. This sequence change falls in intron 6 of the NUP205 gene. It does not directly change the encoded amino acid sequence of the NUP205 protein. It affects a nucleotide within the consensus splice site.

Literature cited by the submitters: PubMed 17576681; PubMed 9536098.

NM_015135.3(NUP205):c.877+6G>T

Gene: NUP205 (nucleoporin 205; plus strand). Cytogenetic location: 7q33.
Variant type: single nucleotide variant.
Coding change: c.877+6G>T on transcript NM_015135.3 (MANE Select); 6 bases into the intron after coding-DNA position 877, G replaced by T.
Molecular consequence: intron variant.
Genome position (GRCh38, 1-based): chr7:135,578,030, G>T. VCF-style: chr7-135578030-G-T. GRCh37 (hg19) VCF-style: chr7-135262778-G-T.
Other names: c.-209+6G>T (NM_001329434.2).
Identifiers: ClinVar variation 2011771 (VCV002011771.4), dbSNP rs2486105405, ClinGen allele CA2580077483.
Genomic context (GRCh38, chr7:135,578,030, plus strand): 5'-CTTCTATACTGTTTTGATATCAGTTTTATAGAGCAAAGCACAGAGGAACGAGATGGTATT[G>T]AGTTTTATACATTTTCCTACATTAAAAAAATCAGATTTAAAATTGTGGGGATAACATTTA-3'